The following is an entry in ClinVar:

NM_017999.5(RNF31):c.406G>C (p.Glu136Gln)

Gene: RNF31 (ring finger protein 31; plus strand). Cytogenetic location: 14q12.
Variant type: single nucleotide variant.
Coding change: c.406G>C on transcript NM_017999.5 (MANE Select); coding-DNA position 406, G replaced by C.
Protein change: p.Glu136Gln; replaces glutamic acid 136 with glutamine.
Molecular consequence: missense variant. On other transcripts: 5 prime UTR variant (1).
Genome position (GRCh38, 1-based): chr14:24,148,324, G>C. VCF-style: chr14-24148324-G-C. GRCh37 (hg19) VCF-style: chr14-24617533-G-C.
Other names: c.406G>C (NM_017999.4); c.-112G>C (NM_001310332.2); short protein forms E136Q.
Identifiers: ClinVar variation 1051634 (VCV001051634.10), dbSNP rs200194901, ClinGen allele CA257872174.

ClinVar aggregate classification (germline): Uncertain significance. Review status: criteria provided, multiple submitters, no conflicts (2 of 4 stars). 2 submissions from 2 submitters: Uncertain significance (2). Last evaluated 2023-10-14.

Allele frequency attached by ClinVar (database versions not stated): gnomAD 0.00001; gnomAD exomes 0.00001; TOPMed 0.00001.
gnomAD v4.1: 15 of 1,614,100 alleles (0.00093%); highest among the groups gnomAD compares: Non-Finnish European, 0.0012%; no homozygotes.

Submissions (2):

Ambry Genetics
Classification: Uncertain significance. Last evaluated: 2023-10-14. Review status: criteria provided, single submitter. Criteria: Ambry Variant Classification Scheme 2023. Collection method: clinical testing. Allele origin: germline.

Labcorp Genetics (formerly Invitae), Labcorp
Classification: Uncertain significance. Last evaluated: 2020-09-27. Review status: criteria provided, single submitter. Criteria: Invitae Variant Classification Sherloc (09022015). Collection method: clinical testing. Allele origin: germline.
Comment: This variant has not been reported in the literature in individuals with RNF31-related conditions. This variant is not present in population databases (ExAC no frequency). This sequence change replaces glutamic acid with glutamine at codon 136 of the RNF31 protein (p.Glu136Gln). The glutamic acid residue is weakly conserved and there is a small physicochemical difference between glutamic acid and glutamine. In summary, the available evidence is currently insufficient to determine the role of this variant in disease. Therefore, it has been classified as a Variant of Uncertain Significance. Algorithms developed to predict the effect of missense changes on protein structure and function are either unavailable or do not agree on the potential impact of this missense change (SIFT: "Tolerated"; PolyPhen-2: "Probably Damaging"; Align-GVGD: "Class C0").